The following is an entry in ClinVar:

NM_201384.3(PLEC):c.1819T>A (p.Ser607Thr)

Gene: PLEC (plectin; minus strand). Cytogenetic location: 8q24.3.
Variant type: single nucleotide variant.
Coding change: c.1819T>A on transcript NM_201384.3 (MANE Select); coding-DNA position 1819, T replaced by A.
Protein change: p.Ser607Thr; replaces serine 607 with threonine.
Molecular consequence: missense variant.
Genome position (GRCh38, 1-based): chr8:143,932,558, A>T on the plus strand (T>A on the coding strand, the complement: PLEC is on the minus strand). VCF-style: chr8-143932558-A-T. GRCh37 (hg19) VCF-style: chr8-145006726-A-T.
Other names: c.1900T>A, p.Ser634Thr (NM_000445.5, NM_001410941.1); c.1777T>A, p.Ser593Thr (NM_201378.4); c.1753T>A, p.Ser585Thr (NM_201379.3); c.2230T>A, p.Ser744Thr (NM_201380.4); c.1723T>A, p.Ser575Thr (NM_201381.3); c.1819T>A, p.Ser607Thr (NM_201382.4); c.1831T>A, p.Ser611Thr (NM_201383.3); short protein forms S575T, S585T, S593T, S607T, S611T, S634T, S744T.
Identifiers: ClinVar variation 3758110 (VCV003758110.2).

ClinVar aggregate classification (germline): Uncertain significance (1 of 4 stars; one submission).

Conditions:
Epidermolysis bullosa simplex with nail dystrophy (EBS5D). Identifiers: MedGen C4225309, MONDO:0014661, OMIM 616487.
Epidermolysis bullosa simplex, Ogna type (EBS5A). Also called: Pidermolysis bullosa simplex 5A, Ogna type; EPIDERMOLYSIS BULLOSA SIMPLEX 5A, OGNA TYPE. Identifiers: Orphanet 79401, MedGen C0432317, MONDO:0007555, OMIM 131950.
Autosomal recessive limb-girdle muscular dystrophy type 2Q (LGMDR17). Also called: MUSCULAR DYSTROPHY, LIMB-GIRDLE, AUTOSOMAL RECESSIVE 17. Identifiers: Orphanet 254361, MedGen C3150989, MONDO:0013390, OMIM 613723.
Epidermolysis bullosa simplex 5B, with muscular dystrophy (EBS5B). Also called: EPIDERMOLYSIS BULLOSA SIMPLEX AND LIMB-GIRDLE MUSCULAR DYSTROPHY; Epidermolysis bullosa simplex with muscular dystrophy. Identifiers: Orphanet 257, MedGen C2931072, MONDO:0009181, OMIM 226670.
Epidermolysis bullosa simplex 5C, with pyloric atresia (EBS5C). Also called: PLEC-Related Epidermolysis Bullosa with Pyloric Atresia; Epidermolysis bullosa simplex with pyloric atresia; PLEC1-Related Epidermolysis Bullosa with Pyloric Atresia. Identifiers: Orphanet 158684, MedGen C2677349, MONDO:0012807, OMIM 612138.

gnomAD v4.1: 2 of 1,612,352 alleles (0.00012%); highest among the groups gnomAD compares: South Asian, 0.0011%; no homozygotes.

Submission:

Labcorp Genetics (formerly Invitae), Labcorp
Classification: Uncertain significance for Autosomal recessive limb-girdle muscular dystrophy type 2Q; Epidermolysis bullosa simplex, Ogna type; Epidermolysis bullosa simplex with nail dystrophy; Epidermolysis bullosa simplex 5C, with pyloric atresia; Epidermolysis bullosa simplex 5B, with muscular dystrophy. Last evaluated: 2024-12-03. Review status: criteria provided, single submitter. Criteria: Invitae Variant Classification Sherloc (09022015). Collection method: clinical testing. Allele origin: germline.
Comment: This sequence change replaces serine, which is neutral and polar, with threonine, which is neutral and polar, at codon 634 of the PLEC protein (p.Ser634Thr). This variant is present in population databases (no rsID available, gnomAD 0.0009%). This variant has not been reported in the literature in individuals affected with PLEC-related conditions. Invitae Evidence Modeling of protein sequence and biophysical properties (such as structural, functional, and spatial information, amino acid conservation, physicochemical variation, residue mobility, and thermodynamic stability) indicates that this missense variant is not expected to disrupt PLEC protein function with a negative predictive value of 80%. In summary, the available evidence is currently insufficient to determine the role of this variant in disease. Therefore, it has been classified as a Variant of Uncertain Significance.